The following is an entry in ClinVar:

NM_007098.4(CLTCL1):c.2947C>T (p.Arg983Trp)

Gene: CLTCL1 (clathrin heavy chain like 1; minus strand). Cytogenetic location: 22q11.21.
Variant type: single nucleotide variant.
Coding change: c.2947C>T on transcript NM_007098.4 (MANE Select); coding-DNA position 2947, C replaced by T.
Protein change: p.Arg983Trp; replaces arginine 983 with tryptophan.
Molecular consequence: missense variant.
Genome position (GRCh38, 1-based): chr22:19,216,229, G>A on the plus strand (C>T on the coding strand, the complement: CLTCL1 is on the minus strand). VCF-style: chr22-19216229-G-A. GRCh37 (hg19) VCF-style: chr22-19203739-G-A.
Other names: p.Arg983Trp; c.2947C>T, p.Arg983Trp (NM_001835.4); short protein forms R983W.
Identifiers: ClinVar variation 4542426 (VCV004542426.1).

ClinVar aggregate classification (germline): Uncertain significance (1 of 4 stars; one submission).

gnomAD v4.1: 77 of 1,613,904 alleles (0.0048%); highest among the groups gnomAD compares: East Asian, 0.15%; no homozygotes.

Submission:

Mayo Clinic Laboratories, Mayo Clinic
Classification: Uncertain significance. Last evaluated: 2025-07-23. Review status: criteria provided, single submitter. Criteria: ACMG Guidelines, 2015. Collection method: clinical testing. Allele origin: germline. Observed: 1 variant allele.
Comment: BP4_moderate